The following is an entry in ClinVar:

NM_001042492.3(NF1):c.1063-13G>A

Gene: NF1 (neurofibromin 1; plus strand). Cytogenetic location: 17q11.2.
Variant type: single nucleotide variant.
Coding change: c.1063-13G>A on transcript NM_001042492.3 (MANE Select); 13 bases into the intron before coding-DNA position 1063, G replaced by A.
Molecular consequence: intron variant.
Genome position (GRCh38, 1-based): chr17:31,201,024, G>A. VCF-style: chr17-31201024-G-A. GRCh37 (hg19) VCF-style: chr17-29528042-G-A.
Other names: c.1063-13G>A (NM_000267.4, NM_001128147.3).
Identifiers: ClinVar variation 428940 (VCV000428940.14), dbSNP rs1131691066, ClinGen allele CA645369653.

ClinVar aggregate classification (germline): Pathogenic/Likely pathogenic. Review status: criteria provided, multiple submitters, no conflicts (2 of 4 stars). 6 submissions from 5 submitters: Pathogenic (4); Likely pathogenic (2). Last evaluated 2026-01-20.

Conditions:
Hereditary cancer-predisposing syndrome. Also called: Tumor predisposition; Hereditary Cancer Syndrome; Neoplastic Syndromes, Hereditary; Hereditary neoplastic syndrome. Identifiers: Orphanet 140162, MedGen C0027672, MeSH D009386, MONDO:0015356.
Neurofibromatosis, type 1 (NF1). Also called: Peripheral type neurofibromatosis; NEUROFIBROMATOSIS, TYPE I, SOMATIC; VON RECKLINGHAUSEN DISEASE; Neurofibromatosis, type I. Identifiers: Orphanet 636, MedGen C0027831, MONDO:0018975, OMIM 162200. Disease mechanism: loss of function.
Cardiovascular phenotype. Identifiers: MedGen CN230736.

Allele frequency attached by ClinVar (database versions not stated): TOPMed below 0.00001.

Submissions (6):

Myriad Genetics, Inc.
Classification: Likely pathogenic for Neurofibromatosis, type 1. Last evaluated: 2026-01-20. Review status: criteria provided, single submitter. Criteria: Myriad Autosomal Dominant, Autosomal Recessive and X-Linked Classification Criteria (2023). Collection method: clinical testing. Allele origin: unknown.
Comment: This variant is considered likely pathogenic. Functional studies indicate this variant impacts protein function [PMID: 18546366]. This variant has been reported in multiple individuals with clinical features of gene-specific disease [PMID: 21354044, 10712197].

Labcorp Genetics (formerly Invitae), Labcorp
Classification: Pathogenic for Neurofibromatosis, type 1. Last evaluated: 2024-12-17. Review status: criteria provided, single submitter. Criteria: Invitae Variant Classification Sherloc (09022015). Collection method: clinical testing. Allele origin: germline.
Comment: This sequence change falls in intron 9 of the NF1 gene. It does not directly change the encoded amino acid sequence of the NF1 protein. RNA analysis indicates that this variant induces altered splicing and may result in an absent or altered protein product. This variant is not present in population databases (gnomAD no frequency). This variant has been observed in individual(s) with neurofibromatosis type 1 (PMID: 10712197, 21354044). ClinVar contains an entry for this variant (Variation ID: 428940). Studies have shown that this variant results in the insertion of 11 nucleotides, and produces a non-functional protein and/or introduces a premature termination codon (PMID: 18546366). For these reasons, this variant has been classified as Pathogenic.

GeneDx
Classification: Pathogenic. Last evaluated: 2024-08-19. Review status: criteria provided, single submitter. Criteria: GeneDx Variant Classification Process June 2021. Collection method: clinical testing. Allele origin: germline. Affected: yes.
Comment: Not observed at significant frequency in large population cohorts (gnomAD); This variant is associated with the following publications: (PMID: 18546366, 32126153, 10712197, 21354044)

Ambry Genetics
Classification: Pathogenic for Cardiovascular phenotype; Hereditary cancer-predisposing syndrome. Last evaluated: 2022-04-12. Review status: criteria provided, single submitter. Criteria: Ambry Variant Classification Scheme 2023. Collection method: clinical testing. Allele origin: germline.
Comment: The c.1063-13G>A intronic pathogenic mutation results from a G to A substitution 13 nucleotides upstream from coding exon 10 in the NF1 gene. This variant has been detected in individuals affected with neurofibromatosis type 1 (Fahsold R et al. Am. J. Hum. Genet., 2000 Mar;66:790-818; Pros E et al. Hum. Mutat., 2008 Sep;29:E173-93; Valero MC et al. J Mol Diagn, 2011 Mar;13:113-22; Wimmer K et al. Hum Mutat, 2020 06;41:1145-1156). Functional studies showed that this alteration resulted in the insertion of 11 nucleotides into the intron (r.1062_1063ins1063-11_1063-1) predicted to generate an alternate protein product (Pros E et al. Hum. Mutat. 2008; 29:E173-93). In silico splice site analysis predicts that this alteration will weaken the native splice acceptor site and will result in the creation or strengthening of a novel splice acceptor site. RNA studies have demonstrated that this alteration results in abnormal splicing in the set of samples tested (Ambry internal data). This nucleotide position is well conserved in available vertebrate species. Based on the supporting evidence, this alteration is interpreted as a disease-causing mutation.

UAB Medical Genomics Laboratory, UAB Medicine
Classification: Pathogenic for Neurofibromatosis, type 1. Last evaluated: 2020-01-20. Review status: criteria provided, single submitter. Criteria: ACMG Guidelines, 2015. Collection method: clinical testing. Allele origin: germline. Affected: yes.

Ambry Genetics
Classification: Likely pathogenic for Hereditary cancer-predisposing syndrome. Last evaluated: 2014-01-21. Review status: criteria provided, single submitter. Criteria: Ambry Autosomal Dominant and X-Linked criteria (10/2015). Collection method: clinical testing. Allele origin: germline. Observed: 1 variant allele.
Comment: The c.1063-13G>A intronic variant results from a G to A substitution 13 nucleotides upstream from coding exon 10 in the NF1 gene. This alteration was first reported in 1 out of 500 unrelated patients with neurofibromatosis type 1 (NF1) (Fahsold R et al. Am. J. Hum. Genet. 2000; 66:790-818). A functional study analyzed mRNA products and found this alteration created a cryptic 3' splice site which resulted in the insertion of 11 nucleotides into the intron (r.1062_1063ins1063-11_1063-1) predicted to generate an alternate protein product(Pros E et al. Hum. Mutat. 2008; 29:E173-93).This variant was not reported in population based cohorts in the following databases: Database of Single Nucleotide Polymorphisms (dbSNP), NHLBI Exome Sequencing Project (ESP), and 1000 Genomes Project. This nucleotide position is well conserved through mammals in available vertebrate species; however, A is the reference nucleotide in the shrew. Using the BDGP and ESEfinder splice site prediction tools, this alteration creates a new alternate splice acceptor site.Based on the majority of available evidence to date, this variant is likely to be pathogenic.

Literature cited by the submitters: PubMed 18546366 (cited by 3 submitters); PubMed 21354044 (cited by Myriad Genetics, Inc. and Labcorp Genetics (formerly Invitae), Labcorp); PubMed 10712197 (cited by 3 submitters); PubMed 32126153 (cited by UAB Medical Genomics Laboratory, UAB Medicine).